The following is an entry in ClinVar:

ClinVar aggregate classification (germline): Pathogenic/Likely pathogenic. Review status: criteria provided, multiple submitters, no conflicts (2 of 4 stars). 6 submissions from 6 submitters: Pathogenic (3); Likely pathogenic (3). Last evaluated 2025-12-20.

Conditions:
Aplastic anemia. Identifiers: Orphanet 182040, Orphanet 88, MedGen C0002874, MONDO:0015909, OMIM 609135, HP:0001915.
Microcephaly, normal intelligence and immunodeficiency (NBS). Also called: IMMUNODEFICIENCY, MICROCEPHALY, AND CHROMOSOMAL INSTABILITY; SEEMANOVA SYNDROME II; Immunodeficiency, microcephaly with normal intelligence; Ataxia telangiectasia variant V1; Nijmegen breakage syndrome; Microcephaly with normal intelligence immunodeficiency and lymphoreticular malignancies. Identifiers: Orphanet 647, MedGen C0398791, MONDO:0009623, OMIM 251260.
Acute lymphoid leukemia (ALL). Also called: Leukemia, acute lymphoblastic, somatic; Lymphoblastic leukemia; Acute lymphoblastic leukemia; Acute lymphocytic leukemia. Identifiers: Orphanet 513, MedGen C0023449, MONDO:0004967, OMIM 613065, HP:0006721.
Hereditary cancer-predisposing syndrome. Also called: Hereditary Cancer Syndrome; Neoplastic Syndromes, Hereditary; Tumor predisposition; Hereditary neoplastic syndrome. Identifiers: Orphanet 140162, MedGen C0027672, MeSH D009386, MONDO:0015356.

Submissions (6):

Labcorp Genetics (formerly Invitae), Labcorp
Classification: Pathogenic for Microcephaly, normal intelligence and immunodeficiency. Last evaluated: 2025-12-20. Review status: criteria provided, single submitter. Criteria: Invitae Variant Classification Sherloc (09022015). Collection method: clinical testing. Allele origin: germline.
Comment: This sequence change creates a premature translational stop signal (p.Asp70Glufs*3) in the NBN gene. It is expected to result in an absent or disrupted protein product. Loss-of-function variants in NBN are known to be pathogenic (PMID: 9590180, 16415040). This variant is not present in population databases (gnomAD no frequency). This variant has not been reported in the literature in individuals affected with NBN-related conditions. ClinVar contains an entry for this variant (Variation ID: 185838). Algorithms developed to predict the effect of sequence changes on RNA splicing suggest that this variant may disrupt the consensus splice site. For these reasons, this variant has been classified as Pathogenic.

Fulgent Genetics
Classification: Likely pathogenic for Microcephaly, normal intelligence and immunodeficiency; Aplastic anemia; Acute lymphoid leukemia. Last evaluated: 2024-01-24. Review status: criteria provided, single submitter. Criteria: ACMG Guidelines, 2015. Collection method: clinical testing. Allele origin: germline.

GeneDx
Classification: Likely pathogenic. Last evaluated: 2023-07-27. Review status: criteria provided, single submitter. Criteria: GeneDx Variant Classification Process June 2021. Collection method: clinical testing. Allele origin: germline. Affected: yes.
Comment: Frameshift variant predicted to result in protein truncation or nonsense mediated decay in a gene for which loss of function is a known mechanism of disease; Not observed at significant frequency in large population cohorts (gnomAD); Observed in a prostate cancer case-control study, but affected status was not provided (Matejcic et al., 2020); This variant is associated with the following publications: (PMID: 32832836)

Ambry Genetics
Classification: Pathogenic for Hereditary cancer-predisposing syndrome. Last evaluated: 2023-01-09. Review status: criteria provided, single submitter. Criteria: Ambry Variant Classification Scheme 2023. Collection method: clinical testing. Allele origin: germline.
Comment: The c.210_211delTA pathogenic mutation, located in coding exon 3 of the NBN gene, results from a deletion of two nucleotides at nucleotide positions 210 to 211, causing a translational frameshift with a predicted alternate stop codon (p.D70Efs*3). This variant is considered to be rare based on population cohorts in the Genome Aggregation Database (gnomAD). This alteration is expected to result in loss of function by premature protein truncation or nonsense-mediated mRNA decay. As such, this alteration is interpreted as a disease-causing mutation.

Genome-Nilou Lab
Classification: Pathogenic for Microcephaly, normal intelligence and immunodeficiency. Last evaluated: 2021-11-07. Review status: criteria provided, single submitter. Criteria: ACMG Guidelines, 2015. Collection method: clinical testing. Allele origin: germline. Affected: no.

PreventionGenetics, part of Exact Sciences
Classification: Likely pathogenic. Last evaluated: 2017-12-27. Review status: criteria provided, single submitter. Criteria: ACMG Guidelines, 2015. Collection method: clinical testing. Allele origin: germline.

Literature cited by the submitters: PubMed 9590180 (cited by Labcorp Genetics (formerly Invitae), Labcorp); PubMed 16415040 (cited by Labcorp Genetics (formerly Invitae), Labcorp).

NM_002485.5(NBN):c.210_211del (p.Asp70fs)

Gene: NBN (nibrin; minus strand). Cytogenetic location: 8q21.3.
Variant type: Deletion.
Coding change: c.210_211del on transcript NM_002485.5 (MANE Select); coding-DNA positions 210 to 211, 2 bases deleted (TA; older notation c.210_211delTA).
Protein change: p.Asp70fs; shifts the reading frame from aspartic acid 70.
Molecular consequence: frameshift variant. On other transcripts: 5 prime UTR variant (1).
Genome position (GRCh38, 1-based): chr8:89,981,484-89,981,485, TA deleted on the plus strand (TA on the coding strand, the reverse complement: NBN is on the minus strand); deleting any 2 consecutive bases within chr8:89,981,484-89,981,486 gives the same sequence; the c. name uses the placement nearest the transcript's 3' end. VCF-style (leftmost placement, unchanged base first): chr8-89981483-TTA-T. GRCh37 (hg19) VCF-style: chr8-90993711-TTA-T.
Other names: c.210_211delTA (NM_002485.4); c.-37_-36del (NM_001024688.3); c.210_211del (NM_002485.4); short protein forms D70fs.
Identifiers: ClinVar variation 185838 (VCV000185838.16), dbSNP rs786202494, ClinGen allele CA193122.